The following is an entry in ClinVar:

NM_017946.4(FKBP14):c.445C>T (p.Leu149Phe)

Genes: FKBP14 (FKBP prolyl isomerase 14; minus strand), FKBP14-AS1 (FKBP14 antisense RNA 1; plus strand). Cytogenetic location: 7p14.3.
Variant type: single nucleotide variant.
Coding change: c.445C>T on transcript NM_017946.4 (MANE Select); coding-DNA position 445, C replaced by T.
Protein change: p.Leu149Phe; replaces leucine 149 with phenylalanine.
Molecular consequence: missense variant. On other transcripts: non-coding transcript variant (2).
Genome position (GRCh38, 1-based): chr7:30,019,028, G>A on the plus strand (C>T on the coding strand, the complement: FKBP14 is on the minus strand). VCF-style: chr7-30019028-G-A. GRCh37 (hg19) VCF-style: chr7-30058644-G-A.
Other names: short protein forms L149F.
Identifiers: ClinVar variation 1740760 (VCV001740760.2), dbSNP rs2127948264, ClinGen allele CA367116755.
Genomic context (GRCh38, chr7:30,019,028, plus strand): 5'-AAGAGGAGTAGGAAGAAGGAAAGGTCACCTCATCTTTAGAGAGTTTCCAGTCATCATTAA[G>A]ATCCATTTCTTGGAATGATTCATGGGATCTTGGTCCATTTCGAATCTCCAGGAGATCAAT-3'
Protein context (NP_060416.1, residues 139-159): RSHESFQEMD[Leu149Phe]NDDWKLSKDE

ClinVar aggregate classification (germline): Uncertain significance (1 of 4 stars; one submission).

Conditions:
Cardiovascular phenotype. Identifiers: MedGen CN230736.

Allele frequency attached by ClinVar (database versions not stated): gnomAD exomes below 0.00001.
gnomAD v4.1: 1 of 1,608,724 alleles (0.000062%); highest among the groups gnomAD compares: Non-Finnish European, 0.000085%; no homozygotes.

Submission:

Ambry Genetics
Classification: Uncertain significance for Cardiovascular phenotype. Last evaluated: 2021-02-23. Review status: criteria provided, single submitter. Criteria: Ambry Variant Classification Scheme 2023. Collection method: clinical testing. Allele origin: germline.
Comment: The p.L149F variant (also known as c.445C>T), located in coding exon 3 of the FKBP14 gene, results from a C to T substitution at nucleotide position 445. The leucine at codon 149 is replaced by phenylalanine, an amino acid with highly similar properties. This amino acid position is highly conserved in available vertebrate species. In addition, the in silico prediction for this alteration is inconclusive. Since supporting evidence is limited at this time, the clinical significance of this alteration remains unclear.